The following is an entry in ClinVar:

NC_000018.9:g.(?_59805456)_(59828586_?)del

Gene: PIGN (phosphatidylinositol glycan anchor biosynthesis class N; minus strand). Cytogenetic location: 18q21.33.
Variant type: Deletion.
Identifiers: ClinVar variation 3242778 (VCV003242778.1).

ClinVar aggregate classification (germline): Pathogenic (1 of 4 stars; one submission).

Conditions:
Multiple congenital anomalies-hypotonia-seizures syndrome 1 (MCAHS1). Also called: GLYCOSYLPHOSPHATIDYLINOSITOL BIOSYNTHESIS DEFECT 3; PIGN-CDG; Congenital disorder of glycosylation due to PIGN deficiency. Identifiers: Orphanet 280633, MedGen C3279775, MONDO:0013563, OMIM 614080.

Submission:

Labcorp Genetics (formerly Invitae), Labcorp
Classification: Pathogenic for Multiple congenital anomalies-hypotonia-seizures syndrome 1. Last evaluated: 2023-05-02. Review status: criteria provided, single submitter. Criteria: Invitae Variant Classification Sherloc (09022015). Collection method: clinical testing. Allele origin: unknown.
Comment: For these reasons, this variant has been classified as Pathogenic. This variant has not been reported in the literature in individuals affected with PIGN-related conditions. This variant is a gross deletion of the genomic region encompassing exon(s) 4-14 of the PIGN gene, which includes the initiator codon. This deletion extends beyond the assayed region for this gene and therefore may encompass additional genes. It is expected to result in an absent or disrupted protein product. Loss-of-function variants in PIGN are known to be pathogenic (PMID: 24253414, 27038415).

Literature cited by the submitters: PubMed 24253414; PubMed 27038415.